The following is an entry in ClinVar:

ClinVar aggregate classification (germline): Uncertain significance. Review status: criteria provided, multiple submitters, no conflicts (2 of 4 stars). 2 submissions from 2 submitters: Uncertain significance (2). Last evaluated 2024-01-01.

Allele frequency attached by ClinVar (database versions not stated): TOPMed below 0.00001; gnomAD exomes 0.00001.
gnomAD v4.1: 10 of 1,613,466 alleles (0.00062%); highest among the groups gnomAD compares: Middle Eastern, 0.016%; no homozygotes.

Submissions (2):

CeGaT Center for Human Genetics Tuebingen
Classification: Uncertain significance. Last evaluated: 2024-01-01. Review status: criteria provided, single submitter. Criteria: CeGaT Center For Human Genetics Tuebingen Variant Classification Criteria Version 2. Collection method: clinical testing. Allele origin: germline. Affected: yes. Observed: 1 variant allele.
Comment: TET3: PM2, BP4

Blueprint Genetics
Classification: Uncertain significance. Last evaluated: 2022-12-21. Review status: criteria provided, single submitter. Criteria: ACMG Guidelines, 2015. Collection method: clinical testing. Allele origin: germline.

NM_001287491.2(TET3):c.1811G>A (p.Arg604Gln)

Gene: TET3 (tet methylcytosine dioxygenase 3; plus strand). Cytogenetic location: 2p13.1.
Variant type: single nucleotide variant.
Coding change: c.1811G>A on transcript NM_001287491.2 (MANE Select); coding-DNA position 1811, G replaced by A.
Protein change: p.Arg604Gln; replaces arginine 604 with glutamine.
Molecular consequence: missense variant.
Genome position (GRCh38, 1-based): chr2:74,047,728, G>A. VCF-style: chr2-74047728-G-A. GRCh37 (hg19) VCF-style: chr2-74274855-G-A.
Other names: c.1532G>A, p.Arg511Gln (NM_001366022.1); c.1406G>A, p.Arg469Gln (NM_144993.1); short protein forms R469Q, R511Q, R604Q.
Identifiers: ClinVar variation 3026119 (VCV003026119.23), dbSNP rs1687718380, ClinGen allele CA347328870.